The following is an entry in ClinVar:

NM_001134673.4(NFIA):c.1306A>G (p.Met436Val)

Gene: NFIA (nuclear factor I A; plus strand). Cytogenetic location: 1p31.3.
Variant type: single nucleotide variant.
Coding change: c.1306A>G on transcript NM_001134673.4 (MANE Select); coding-DNA position 1306, A replaced by G.
Protein change: p.Met436Val; replaces methionine 436 with valine.
Molecular consequence: missense variant.
Genome position (GRCh38, 1-based): chr1:61,406,613, A>G. VCF-style: chr1-61406613-A-G. GRCh37 (hg19) VCF-style: chr1-61872285-A-G.
Other names: c.1282A>G, p.Met428Val (NM_001145511.2); c.1441A>G, p.Met481Val (NM_001145512.2); c.1306A>G, p.Met436Val (NM_005595.5); short protein forms M428V, M436V, M481V.
Identifiers: ClinVar variation 4861037 (VCV004861037.1).

ClinVar aggregate classification (germline): Uncertain significance (1 of 4 stars; one submission).

Conditions:
Inborn genetic diseases. Identifiers: MedGen C0950123, MeSH D030342.

gnomAD v4.1: 2 of 1,475,478 alleles (0.00014%); highest among the groups gnomAD compares: Non-Finnish European, 0.00018%; no homozygotes.

Submission:

Ambry Genetics
Classification: Uncertain significance for Inborn genetic diseases. Last evaluated: 2026-04-15. Review status: criteria provided, single submitter. Criteria: Ambry Variant Classification Scheme 2023. Collection method: clinical testing. Allele origin: germline.
Comment: The c.1441A>G (p.M481V) alteration is located in exon 10 (coding exon 10) of the NFIA gene. This alteration results from a A to G substitution at nucleotide position 1441, causing the methionine (M) at amino acid position 481 to be replaced by a valine (V). Based on data from gnomAD, the G allele has an overall frequency of 0.003% (1/29714) total alleles studied. The highest observed frequency was <0.001% (/) of alleles. Based on insufficient or conflicting evidence, the clinical significance of this alteration remains unclear.